The following is an entry in ClinVar:

ClinVar aggregate classification (germline): Pathogenic/Likely pathogenic. Review status: criteria provided, multiple submitters, no conflicts (2 of 4 stars). 4 submissions from 4 submitters: Pathogenic (1); Likely pathogenic (1). 2 of the submissions do not count toward it. Last evaluated 2024-10-01.

Conditions:
LHCGR-related disorder. Also called: LHCGR-related condition.
Gonadotropin-independent familial sexual precocity. Also called: Familial male-limited precocious puberty; TESTOTOXICOSIS, FAMILIAL. Identifiers: Orphanet 3000, MedGen C0342549, MONDO:0008303, OMIM 176410.
Precocious puberty in males. Identifiers: MedGen C1859979, HP:0008185.

Submissions (4):

Blueprint Genetics
Classification: Pathogenic for LHCGR-related disorders. Last evaluated: 2024-10-01. Review status: criteria provided, single submitter. Criteria: ACMG Guidelines, 2015. Collection method: clinical testing. Allele origin: germline. Affected: yes. Observed: 1 variant allele.

3billion
Classification: Likely pathogenic for Gonadotropin-independent familial sexual precocity. Last evaluated: 2024-06-17. Review status: criteria provided, single submitter. Criteria: ACMG Guidelines, 2015. Collection method: clinical testing. Allele origin: germline. Affected: yes.
Comment: The variant is not observed in the gnomAD v4.0.0 dataset. Predicted Consequence/Location: Missense variant Functional studies provide moderate evidence of the variant having a damaging effect on the gene or gene product (PMID: 7593421). In silico tool predictions suggest damaging effect of the variant on gene or gene product [REVEL: 0.78 (>=0.6, sensitivity 0.68 and specificity 0.92)]. The same nucleotide change resulting in the same amino acid change has been previously reported to be associated with LHCGR related disorder (ClinVar ID: VCV000014394 /PMID: 7593421). Therefore, this variant is classified as Likely pathogenic according to the recommendation of ACMG/AMP guideline.

Clinical Molecular Genetics Laboratory, Johns Hopkins All Children's Hospital
Classification: Likely pathogenic for Precocious puberty in males. Last evaluated: 2017-01-30. Review status: no assertion criteria provided. Collection method: clinical testing. Allele origin: germline. Affected: yes. Not counted in ClinVar's aggregate classification.

OMIM
Classification: Pathogenic for PRECOCIOUS PUBERTY, MALE-LIMITED. Last evaluated: 1996-02-01. Review status: no assertion criteria provided. Collection method: literature only. Allele origin: germline. Not counted in ClinVar's aggregate classification.

Literature cited by the submitters: PubMed 7593421 (cited by 3billion); PubMed 8929952 (cited by OMIM).

NM_000233.4(LHCGR):c.1193T>C (p.Met398Thr)

Genes: STON1-GTF2A1L (STON1-GTF2A1L readthrough; plus strand), LHCGR (luteinizing hormone/choriogonadotropin receptor; minus strand). Cytogenetic location: 2p16.3.
Variant type: single nucleotide variant.
Coding change: c.1193T>C on transcript NM_000233.4 (MANE Select); coding-DNA position 1193, T replaced by C.
Protein change: p.Met398Thr; replaces methionine 398 with threonine.
Molecular consequence: missense variant. On other transcripts: intron variant (1).
Genome position (GRCh38, 1-based): chr2:48,688,604, A>G on the plus strand (T>C on the coding strand, the complement: LHCGR is on the minus strand). VCF-style: chr2-48688604-A-G. GRCh37 (hg19) VCF-style: chr2-48915743-A-G.
Other names: c.3441+16924A>G (NM_001198593.2); short protein forms M398T.
Identifiers: ClinVar variation 14394 (VCV000014394.3), dbSNP rs121912526, ClinGen allele CA123924.
Genomic context (GRCh38, chr2:48,688,604, plus strand): 5'-ACTGAGGCTATGAGCAGCAGATAGAGCCCCATGCAAAAGTCTGCAAAGGAGAGATTGCAC[A>G]TGAGAAAACGAGGCACTGTAAGTTTGTAACGACTTGTCAGGAGAACAAAAAGAACAGTCA-3'
Protein context (NP_000224.2, residues 388-408): RYKLTVPRFL[Met398Thr]CNLSFADFCM